The following is an entry in ClinVar:

NM_015295.3(SMCHD1):c.1647+3A>G

Gene: SMCHD1 (structural maintenance of chromosomes flexible hinge domain containing 1; plus strand). Cytogenetic location: 18p11.32.
Variant type: single nucleotide variant.
Coding change: c.1647+3A>G on transcript NM_015295.3 (MANE Select); 3 bases into the intron after coding-DNA position 1647, A replaced by G.
Molecular consequence: intron variant.
Genome position (GRCh38, 1-based): chr18:2,700,921, A>G. VCF-style: chr18-2700921-A-G. GRCh37 (hg19) VCF-style: chr18-2700919-A-G.
Identifiers: ClinVar variation 1410081 (VCV001410081.6), dbSNP rs2143184995, ClinGen allele CA2573155051.

ClinVar aggregate classification (germline): Pathogenic (1 of 4 stars; one submission).

Conditions:
Facioscapulohumeral muscular dystrophy 2 (FSHD2). Also called: FACIOSCAPULOHUMERAL MUSCULAR DYSTROPHY 2, DIGENIC; FSHD2, DIGENIC; MUSCULAR DYSTROPHY, FACIOSCAPULOHUMERAL, TYPE 1B. Identifiers: Orphanet 269, MedGen C1834671, MONDO:0008031, OMIM 158901.

Submission:

Labcorp Genetics (formerly Invitae), Labcorp
Classification: Pathogenic for Facioscapulohumeral muscular dystrophy 2. Last evaluated: 2021-11-11. Review status: criteria provided, single submitter. Criteria: Invitae Variant Classification Sherloc (09022015). Collection method: clinical testing. Allele origin: germline.
Comment: Variants that disrupt the consensus splice site are a relatively common cause of aberrant splicing (PMID: 17576681, 9536098). Studies have shown that this variant is associated with altered splicing, but the impact on the resulting protein product is unknown (PMID: 25256356). For these reasons, this variant has been classified as Pathogenic. This variant has been observed in individual(s) with fascioscapulohumeral muscular dystrophy (PMID: 25256356). In at least one individual the variant was observed to be de novo. This variant is not present in population databases (gnomAD no frequency). This sequence change falls in intron 12 of the SMCHD1 gene. It does not directly change the encoded amino acid sequence of the SMCHD1 protein. It affects a nucleotide within the consensus splice site.

Literature cited by the submitters: PubMed 17576681; PubMed 9536098; PubMed 25256356.